The following is an entry in ClinVar:

NM_001144958.2(CRACR2A):c.19A>G (p.Arg7Gly)

Gene: CRACR2A (calcium release activated channel regulator 2A; minus strand). Cytogenetic location: 12p13.32.
Variant type: single nucleotide variant.
Coding change: c.19A>G on transcript NM_001144958.2 (MANE Select); coding-DNA position 19, A replaced by G.
Protein change: p.Arg7Gly; replaces arginine 7 with glycine.
Molecular consequence: missense variant.
Genome position (GRCh38, 1-based): chr12:3,696,981, T>C on the plus strand (A>G on the coding strand, the complement: CRACR2A is on the minus strand). VCF-style: chr12-3696981-T-C. GRCh37 (hg19) VCF-style: chr12-3806147-T-C.
Other names: c.19A>G, p.Arg7Gly (NM_032680.4); short protein forms R7G.
Identifiers: ClinVar variation 2688138 (VCV002688138.2), dbSNP rs9788233, ClinGen allele CA6394820.

ClinVar aggregate classification (germline): Benign (1 of 4 stars; one submission).

Allele frequency attached by ClinVar (database versions not stated): ESP Exome Variant Server 0.09888; gnomAD exomes 0.12859; gnomAD 0.13231; TOPMed 0.14214; 1000 Genomes Project 0.16294; ExAC 0.17298.
gnomAD v4.1: 205,321 of 1,592,096 alleles (13%); highest among the groups gnomAD compares: Admixed American, 28%; 14,903 homozygotes.

Submission:

Unidad de Genómica Garrahan, Hospital de Pediatría Garrahan
Classification: Benign. Last evaluated: 2024-01-24. Review status: criteria provided, single submitter. Criteria: ACMG Guidelines, 2015. Collection method: clinical testing. Allele origin: germline. Affected: no. Observed: 44 variant alleles.
Comment: This variant is classified as Benign based on local population frequency. This variant was detected in 46% of patients studied by a panel of primary immunodeficiencies. Number of patients: 44. Only high quality variants are reported.